The following is an entry in ClinVar:

NM_213599.3(ANO5):c.153C>A (p.Phe51Leu)

Gene: ANO5 (anoctamin 5; plus strand). Cytogenetic location: 11p14.3.
Variant type: single nucleotide variant.
Coding change: c.153C>A on transcript NM_213599.3 (MANE Select); coding-DNA position 153, C replaced by A.
Protein change: p.Phe51Leu; replaces phenylalanine 51 with leucine.
Molecular consequence: missense variant. On other transcripts: intron variant (2).
Genome position (GRCh38, 1-based): chr11:22,218,260, C>A. VCF-style: chr11-22218260-C-A. GRCh37 (hg19) VCF-style: chr11-22239806-C-A.
Other names: c.150C>A, p.Phe50Leu (NM_001142649.2); c.139-2837C>A (NM_001410963.1); c.136-2837C>A (NM_001410964.1); short protein forms F50L, F51L.
Identifiers: ClinVar variation 3753725 (VCV003753725.2).

ClinVar aggregate classification (germline): Uncertain significance (1 of 4 stars; one submission).

Conditions:
Gnathodiaphyseal dysplasia (GDD). Also called: GNATHODIAPHYSEAL SCLEROSIS; OSTEOGENESIS IMPERFECTA WITH UNUSUAL SKELETAL LESIONS. Identifiers: Orphanet 53697, MedGen C1833736, MONDO:0008151, OMIM 166260.
Autosomal recessive limb-girdle muscular dystrophy type 2L (LGMDR12). Also called: Limb-girdle muscular dystrophy, type 2L; MUSCULAR DYSTROPHY, LIMB-GIRDLE, AUTOSOMAL RECESSIVE 12; Limb-Girdle Muscular Dystrophy R12 Anoctamin-5-Related (LGMD-R12). Identifiers: Orphanet 206549, MedGen C1969785, MONDO:0012652, OMIM 611307.

Submission:

Labcorp Genetics (formerly Invitae), Labcorp
Classification: Uncertain significance for Autosomal recessive limb-girdle muscular dystrophy type 2L; Gnathodiaphyseal dysplasia. Last evaluated: 2024-12-04. Review status: criteria provided, single submitter. Criteria: Invitae Variant Classification Sherloc (09022015). Collection method: clinical testing. Allele origin: germline.
Comment: This sequence change replaces phenylalanine, which is neutral and non-polar, with leucine, which is neutral and non-polar, at codon 51 of the ANO5 protein (p.Phe51Leu). This variant is not present in population databases (gnomAD no frequency). This variant has not been reported in the literature in individuals affected with ANO5-related conditions. Invitae Evidence Modeling of protein sequence and biophysical properties (such as structural, functional, and spatial information, amino acid conservation, physicochemical variation, residue mobility, and thermodynamic stability) indicates that this missense variant is not expected to disrupt ANO5 protein function with a negative predictive value of 95%. In summary, the available evidence is currently insufficient to determine the role of this variant in disease. Therefore, it has been classified as a Variant of Uncertain Significance.